The following is an entry in ClinVar:

NM_018117.12(WDR11):c.1261A>G (p.Lys421Glu)

Gene: WDR11 (WD repeat domain 11; plus strand). Cytogenetic location: 10q26.12.
Variant type: single nucleotide variant.
Coding change: c.1261A>G on transcript NM_018117.12 (MANE Select); coding-DNA position 1261, A replaced by G.
Protein change: p.Lys421Glu; replaces lysine 421 with glutamic acid.
Molecular consequence: missense variant.
Genome position (GRCh38, 1-based): chr10:120,867,136, A>G. VCF-style: chr10-120867136-A-G. GRCh37 (hg19) VCF-style: chr10-122626648-A-G.
Other names: c.1261A>G (NM_018117.11); short protein forms K421E.
Identifiers: ClinVar variation 3629233 (VCV003629233.3).

ClinVar aggregate classification (germline): Uncertain significance. Review status: criteria provided, multiple submitters, no conflicts (2 of 4 stars). 2 submissions from 2 submitters: Uncertain significance (2). Last evaluated 2025-08-24.

Conditions:
Inborn genetic diseases. Identifiers: MedGen C0950123, MeSH D030342.

gnomAD v4.1: 32 of 1,613,858 alleles (0.002%); highest among the groups gnomAD compares: Admixed American, 0.045%; no homozygotes.

Submissions (2):

Ambry Genetics
Classification: Uncertain significance for Inborn genetic diseases. Last evaluated: 2025-08-24. Review status: criteria provided, single submitter. Criteria: Ambry Variant Classification Scheme 2023. Collection method: clinical testing. Allele origin: germline.

Labcorp Genetics (formerly Invitae), Labcorp
Classification: Uncertain significance. Last evaluated: 2025-04-11. Review status: criteria provided, single submitter. Criteria: Invitae Variant Classification Sherloc (09022015). Collection method: clinical testing. Allele origin: germline.
Comment: This sequence change replaces lysine, which is basic and polar, with glutamic acid, which is acidic and polar, at codon 421 of the WDR11 protein (p.Lys421Glu). This variant is present in population databases (rs541365764, gnomAD 0.05%). This variant has not been reported in the literature in individuals affected with WDR11-related conditions. ClinVar contains an entry for this variant (Variation ID: 3629233). An algorithm developed to predict the effect of missense changes on protein structure and function (PolyPhen-2) suggests that this variant is likely to be tolerated. In summary, the available evidence is currently insufficient to determine the role of this variant in disease. Therefore, it has been classified as a Variant of Uncertain Significance.